The following is an entry in ClinVar:

NM_001761.3(CCNF):c.1715G>A (p.Arg572Gln)

Gene: CCNF (cyclin F; plus strand). Cytogenetic location: 16p13.3.
Variant type: single nucleotide variant.
Coding change: c.1715G>A on transcript NM_001761.3 (MANE Select); coding-DNA position 1715, G replaced by A.
Protein change: p.Arg572Gln; replaces arginine 572 with glutamine.
Molecular consequence: missense variant.
Genome position (GRCh38, 1-based): chr16:2,453,537, G>A. VCF-style: chr16-2453537-G-A. GRCh37 (hg19) VCF-style: chr16-2503538-G-A.
Other names: c.791G>A, p.Arg264Gln (NM_001323538.2); short protein forms R264Q, R572Q.
Identifiers: ClinVar variation 3385108 (VCV003385108.2).
Genomic context (GRCh38, chr16:2,453,537, plus strand): 5'-TCCTCAGCACAGGGGAGATCCACGCCTTCCTCAGCTCTCCCTCGGGGCGGAGAACCAAAC[G>A]GTTAGTTACCCTGCGTTCTGGCTGCGCCATACAATGCTGGCATCCTCGTGCCGGCCCAGT-3'
Protein context (NP_001752.2, residues 562-582): LSSPSGRRTK[Arg572Gln]KRENSLQEDR

ClinVar aggregate classification (germline): Uncertain significance. Review status: criteria provided, multiple submitters, no conflicts (2 of 4 stars). 2 submissions from 2 submitters: Uncertain significance (2). Last evaluated 2025-09-10.

Conditions:
Frontotemporal dementia and/or amyotrophic lateral sclerosis 5. Identifiers: MedGen C5436884, MONDO:0030875, OMIM 619141.

Submissions (2):

Genomic Medicine Center of Excellence, King Faisal Specialist Hospital and Research Centre
Classification: Uncertain significance for Frontotemporal dementia and/or amyotrophic lateral sclerosis 5. Last evaluated: 2025-09-10. Review status: criteria provided, single submitter. Criteria: ACMG Guidelines, 2015. Collection method: clinical testing. Allele origin: germline.

Women's Health and Genetics/Laboratory Corporation of America, LabCorp
Classification: Uncertain significance. Last evaluated: 2024-10-24. Review status: criteria provided, single submitter. Criteria: LabCorp Variant Classification Summary - May 2015. Collection method: clinical testing. Allele origin: germline.
Comment: Variant summary: CCNF c.1715G>A (p.Arg572Gln) results in a conservative amino acid change in the encoded protein sequence. Three of five in-silico tools predict a damaging effect of the variant on protein function. Several computational tools predict a significant impact on normal splicing: Three predict the variant abolishes a 5' splicing donor site. One predict the variant weakens a 5' donor site. However, these predictions have yet to be confirmed by functional studies. The variant allele was found at a frequency of 4e-06 in 251096 control chromosomes. The available data on variant occurrences in the general population are insufficient to allow any conclusion about variant significance. To our knowledge, no occurrence of c.1715G>A in individuals affected with Frontotemporal Dementia And/or Amyotrophic Lateral Sclerosis 5 and no experimental evidence demonstrating its impact on protein function have been reported. No submitters have cited clinical-significance assessments for this variant to ClinVar. Based on the evidence outlined above, the variant was classified as uncertain significance.